The following is an entry in ClinVar:

NM_001447.3(FAT2):c.10815C>T (p.Ser3605=)

Genes: FAT2 (FAT atypical cadherin 2; minus strand), SLC36A1 (solute carrier family 36 member 1; plus strand). Cytogenetic location: 5q33.1.
Variant type: single nucleotide variant.
Coding change: c.10815C>T on transcript NM_001447.3 (MANE Select); coding-DNA position 10815, C replaced by T.
Protein change: p.Ser3605=; no amino-acid change (serine 3605 retained).
Molecular consequence: synonymous variant.
Genome position (GRCh38, 1-based): chr5:151,521,778, G>A on the plus strand (C>T on the coding strand, the complement: FAT2 is on the minus strand). VCF-style: chr5-151521778-G-A. GRCh37 (hg19) VCF-style: chr5-150901339-G-A.
Other names: c.10815C>T (NM_001447.2).
Identifiers: ClinVar variation 2857011 (VCV002857011.6), dbSNP rs144527323, ClinGen allele CA3520150.
Genomic context (GRCh38, chr5:151,521,778, plus strand): 5'-CTCCTGCCCCACATGCCACACGTACACATGGACCCCAGCAGTCGTGGTGAAGGTCCCATC[G>A]CTGACCGTGACGTTGAACGAGTAGTGGCCACGAGGCAGGCCCTGGGCGGCGATAATCTTG-3'
Protein context (NP_001438.1, residues 3595-3615): RGHYSFNVTV[Ser3605=]DGTFTTTAGV

ClinVar aggregate classification (germline): Likely benign. Review status: criteria provided, multiple submitters, no conflicts (2 of 4 stars). 3 submissions from 3 submitters: Likely benign (2). 1 of the submissions does not count toward it. Last evaluated 2026-05-20.

Conditions:
FAT2-related disorder. Also called: FAT2-related condition.

Allele frequency attached by ClinVar (database versions not stated): gnomAD exomes 0.00009; ExAC 0.00015; 1000 Genomes Project 30x 0.00031; ESP Exome Variant Server 0.00054; TOPMed 0.00032; gnomAD 0.00033; 1000 Genomes Project 0.00040.
gnomAD v4.1: 178 of 1,614,128 alleles (0.011%); highest among the groups gnomAD compares: African/African-American, 0.089%; no homozygotes.

Submissions (3):

Women's Health and Genetics/Laboratory Corporation of America, LabCorp
Classification: Likely benign. Last evaluated: 2026-05-20. Review status: criteria provided, single submitter. Criteria: LabCorp Variant Classification Summary - May 2015. Collection method: clinical testing. Allele origin: germline.

Labcorp Genetics (formerly Invitae), Labcorp
Classification: Likely benign. Last evaluated: 2025-09-16. Review status: criteria provided, single submitter. Criteria: Invitae Variant Classification Sherloc (09022015). Collection method: clinical testing. Allele origin: germline.

PreventionGenetics, part of Exact Sciences
Classification: Likely benign for FAT2-related condition. Last evaluated: 2020-09-10. Review status: no assertion criteria provided. Collection method: clinical testing. Allele origin: germline. Not counted in ClinVar's aggregate classification.
Comment: This variant is classified as likely benign based on ACMG/AMP sequence variant interpretation guidelines (Richards et al. 2015 PMID: 25741868, with internal and published modifications).